The following is an entry in ClinVar:

NM_004153.4(ORC1):c.2356C>T (p.Arg786Cys)

Gene: ORC1 (origin recognition complex subunit 1; minus strand). Cytogenetic location: 1p32.3.
Variant type: single nucleotide variant.
Coding change: c.2356C>T on transcript NM_004153.4 (MANE Select); coding-DNA position 2356, C replaced by T.
Protein change: p.Arg786Cys; replaces arginine 786 with cysteine.
Molecular consequence: missense variant.
Genome position (GRCh38, 1-based): chr1:52,374,845, G>A on the plus strand (C>T on the coding strand, the complement: ORC1 is on the minus strand). VCF-style: chr1-52374845-G-A. GRCh37 (hg19) VCF-style: chr1-52840517-G-A.
Other names: c.2356C>T, p.Arg786Cys (NM_001190818.2); c.2341C>T, p.Arg781Cys (NM_001190819.2); c.2356C>T (NM_004153.3); short protein forms R786C, R781C.
Identifiers: ClinVar variation 1478937 (VCV001478937.7), dbSNP rs754186329, ClinGen allele CA853048.

ClinVar aggregate classification (germline): Uncertain significance. Review status: criteria provided, multiple submitters, no conflicts (2 of 4 stars). 2 submissions from 2 submitters: Uncertain significance (2). Last evaluated 2025-03-26.

Conditions:
Inborn genetic diseases. Identifiers: MedGen C0950123, MeSH D030342.

Allele frequency attached by ClinVar (database versions not stated): gnomAD exomes 0.00001 and 0.00003; ExAC 0.00002; TOPMed 0.00002; gnomAD 0.00003 and 0.00004.
gnomAD v4.1: 16 of 1,613,766 alleles (0.00099%); highest among the groups gnomAD compares: East Asian, 0.0089%; no homozygotes.

Submissions (2):

Ambry Genetics
Classification: Uncertain significance for Inborn genetic diseases. Last evaluated: 2025-03-26. Review status: criteria provided, single submitter. Criteria: Ambry Variant Classification Scheme 2023. Collection method: clinical testing. Allele origin: germline.

Labcorp Genetics (formerly Invitae), Labcorp
Classification: Uncertain significance. Last evaluated: 2022-08-23. Review status: criteria provided, single submitter. Criteria: Invitae Variant Classification Sherloc (09022015). Collection method: clinical testing. Allele origin: germline.
Comment: In summary, the available evidence is currently insufficient to determine the role of this variant in disease. Therefore, it has been classified as a Variant of Uncertain Significance. Algorithms developed to predict the effect of missense changes on protein structure and function (SIFT, PolyPhen-2, Align-GVGD) all suggest that this variant is likely to be disruptive. ClinVar contains an entry for this variant (Variation ID: 1478937). This variant has not been reported in the literature in individuals affected with ORC1-related conditions. This variant is present in population databases (rs754186329, gnomAD 0.04%). This sequence change replaces arginine, which is basic and polar, with cysteine, which is neutral and slightly polar, at codon 786 of the ORC1 protein (p.Arg786Cys).